The following is an entry in ClinVar:

ClinVar aggregate classification (germline): Benign. Review status: criteria provided, multiple submitters, no conflicts (2 of 4 stars). 2 submissions from 2 submitters: Benign (2). Last evaluated 2026-01-14.

Conditions:
3-hydroxyisobutyryl-CoA hydrolase deficiency. Also called: Reduced circulating 3-hydroxyisobutyryl-CoA hydrolase activity; Deficiency of 3-hydroxyisobutyryl CoA hydrolase; VALINE METABOLIC DEFECT; HIBCH DEFICIENCY; METHACRYLIC ACID TOXICITY; METHACRYLIC ACIDURIA. Identifiers: Orphanet 88639, MedGen C0342738, MONDO:0009603, OMIM 250620, HP:6000215.

Submissions (2):

Labcorp Genetics (formerly Invitae), Labcorp
Classification: Benign for 3-hydroxyisobutyryl-CoA hydrolase deficiency. Last evaluated: 2026-01-14. Review status: criteria provided, single submitter. Criteria: Invitae Variant Classification Sherloc (09022015). Collection method: clinical testing. Allele origin: germline.

GeneDx
Classification: Benign. Last evaluated: 2017-09-26. Review status: criteria provided, single submitter. Criteria: GeneDx Variant Classification (06012015). Collection method: clinical testing. Allele origin: germline. Affected: yes.
Comment: This variant is considered likely benign or benign based on one or more of the following criteria: it is a conservative change, it occurs at a poorly conserved position in the protein, it is predicted to be benign by multiple in silico algorithms, and/or has population frequency not consistent with disease.

NM_014362.4(HIBCH):c.385+11del

Gene: HIBCH (3-hydroxyisobutyryl-CoA hydrolase; minus strand). Cytogenetic location: 2q32.2.
Variant type: Deletion.
Coding change: c.385+11del on transcript NM_014362.4 (MANE Select); 11 bases into the intron after coding-DNA position 385, one base deleted (T; older notation c.385+11delT).
Molecular consequence: intron variant.
Genome position (GRCh38, 1-based): chr2:190,290,394, A deleted on the plus strand (T on the coding strand, the reverse complement: HIBCH is on the minus strand); the first of 2 consecutive A bases (chr2:190,290,394-190,290,395); deleting either gives the same sequence. VCF-style (leftmost placement, unchanged base first): chr2-190290393-GA-G. GRCh37 (hg19) VCF-style: chr2-191155119-GA-G.
Other names: c.385+11del (NM_198047.3); c.385+11delT (NM_014362.3).
Identifiers: ClinVar variation 516951 (VCV000516951.9), dbSNP rs374891270, ClinGen allele CA2027671.